The following is an entry in ClinVar:

NM_025179.4(PLXNA2):c.1371+5G>C

Gene: PLXNA2 (plexin A2; minus strand). Cytogenetic location: 1q32.2.
Variant type: single nucleotide variant.
Coding change: c.1371+5G>C on transcript NM_025179.4 (MANE Select); 5 bases into the intron after coding-DNA position 1371, G replaced by C.
Molecular consequence: intron variant.
Genome position (GRCh38, 1-based): chr1:208,210,275, C>G on the plus strand (G>C on the coding strand, the complement: PLXNA2 is on the minus strand). VCF-style: chr1-208210275-C-G. GRCh37 (hg19) VCF-style: chr1-208383620-C-G.
Identifiers: ClinVar variation 3357292 (VCV003357292.1).

ClinVar aggregate classification (germline): Likely benign (0 of 4 stars; one submission).

Conditions:
PLXNA2-related disorder. Also called: PLXNA2-related condition.

Submission:

PreventionGenetics, part of Exact Sciences
Classification: Likely benign for PLXNA2-related condition. Last evaluated: 2021-08-04. Review status: no assertion criteria provided. Collection method: clinical testing. Allele origin: germline.
Comment: This variant is classified as likely benign based on ACMG/AMP sequence variant interpretation guidelines (Richards et al. 2015 PMID: 25741868, with internal and published modifications).